The following is an entry in ClinVar:

ClinVar aggregate classification (germline): Conflicting classifications of pathogenicity. Review status: criteria provided, conflicting classifications (1 of 4 stars). 3 submissions from 3 submitters: Uncertain significance (1); Likely benign (1). 1 of the submissions does not count toward it. Last evaluated 2025-08-18.

Allele frequency attached by ClinVar (database versions not stated): gnomAD exomes 0.00023 and 0.00059; ExAC 0.00071; 1000 Genomes Project 0.00120; 1000 Genomes Project 30x 0.00172; gnomAD 0.00213 and 0.00231; TOPMed 0.00254; ESP Exome Variant Server 0.00308.
gnomAD v4.1: 658 of 1,614,238 alleles (0.041%); highest among the groups gnomAD compares: African/African-American, 0.8%; 2 homozygotes.

Submissions (3):

Labcorp Genetics (formerly Invitae), Labcorp
Classification: Likely benign. Last evaluated: 2025-08-18. Review status: criteria provided, single submitter. Criteria: Invitae Variant Classification Sherloc (09022015). Collection method: clinical testing. Allele origin: germline.

Ambry Genetics
Classification: Uncertain significance. Last evaluated: 2025-08-02. Review status: criteria provided, single submitter. Criteria: Ambry Variant Classification Scheme 2023. Collection method: clinical testing. Allele origin: germline.

Department of Pathology and Laboratory Medicine, Sinai Health System
Classification: Uncertain significance. Review status: no assertion criteria provided. Collection method: clinical testing. Allele origin: unknown. Affected: yes. Study: The Canadian Open Genetics Repository (COGR). Not counted in ClinVar's aggregate classification.
Comment: The NIN p.V889L variant was not identified in the literature but was identified in dbSNP (ID: rs78251482) and ClinVar (classified as likely benign by Invitae). The variant was identified in control databases in 222 of 282870 chromosomes (1 homozygous) at a frequency of 0.0007848, and was observed at the highest frequency in the African population in 210 of 24970 chromosomes (1 homozygous) (freq: 0.008410) (Genome Aggregation Database March 6, 2019, v2.1.1). The p.V889 residue is not highly conserved in mammals and computational analyses (MUT Assesor, PolyPhen-2, SIFT, MutationTaster, Revel, FATHMM, MetaLR, DANN) provide inconsistent predictions regarding the impact to the protein; this information is not very predictive of pathogenicity. The variant occurs outside of the splicing consensus sequence and in silico or computational prediction software programs (Splice AI exome) do not predict a difference in splicing. In summary, based on the above information the clinical significance of this variant cannot be determined with certainty at this time. This variant is classified as a variant of uncertain significance.

NM_020921.4(NIN):c.2665G>C (p.Val889Leu)

Gene: NIN (ninein; minus strand). Cytogenetic location: 14q22.1.
Variant type: single nucleotide variant.
Coding change: c.2665G>C on transcript NM_020921.4 (MANE Select); coding-DNA position 2665, G replaced by C.
Protein change: p.Val889Leu; replaces valine 889 with leucine.
Molecular consequence: missense variant. On other transcripts: intron variant (1).
Genome position (GRCh38, 1-based): chr14:50,758,365, C>G on the plus strand (G>C on the coding strand, the complement: NIN is on the minus strand). VCF-style: chr14-50758365-C-G. GRCh37 (hg19) VCF-style: chr14-51225083-C-G.
Other names: c.2665G>C, p.Val889Leu (NM_182944.3, NM_182946.2); c.2399+1492G>C (NM_016350.5); short protein forms V889L.
Identifiers: ClinVar variation 735176 (VCV000735176.12), dbSNP rs78251482, ClinGen allele CA7181891.